The following is an entry in ClinVar:

ClinVar aggregate classification (germline): Uncertain significance (1 of 4 stars; one submission).

gnomAD v4.1: 5 of 1,614,006 alleles (0.00031%); highest among the groups gnomAD compares: African/African-American, 0.0053%; no homozygotes.

Submission:

Labcorp Genetics (formerly Invitae), Labcorp
Classification: Uncertain significance. Last evaluated: 2025-09-28. Review status: criteria provided, single submitter. Criteria: Invitae Variant Classification Sherloc (09022015). Collection method: clinical testing. Allele origin: germline.
Comment: This sequence change replaces proline, which is neutral and non-polar, with serine, which is neutral and polar, at codon 75 of the CASQ1 protein (p.Pro75Ser). This variant is present in population databases (rs781172147, gnomAD 0.01%). This variant has not been reported in the literature in individuals affected with CASQ1-related conditions. Invitae Evidence Modeling of protein sequence and biophysical properties (such as structural, functional, and spatial information, amino acid conservation, physicochemical variation, residue mobility, and thermodynamic stability) indicates that this missense variant is not expected to disrupt CASQ1 protein function with a negative predictive value of 80%. In summary, the available evidence is currently insufficient to determine the role of this variant in disease. Therefore, it has been classified as a Variant of Uncertain Significance.

NM_001231.5(CASQ1):c.223C>T (p.Pro75Ser)

Gene: CASQ1 (calsequestrin 1; plus strand). Cytogenetic location: 1q23.2.
Variant type: single nucleotide variant.
Coding change: c.223C>T on transcript NM_001231.5 (MANE Select); coding-DNA position 223, C replaced by T.
Protein change: p.Pro75Ser; replaces proline 75 with serine.
Molecular consequence: missense variant.
Genome position (GRCh38, 1-based): chr1:160,190,974, C>T. VCF-style: chr1-160190974-C-T. GRCh37 (hg19) VCF-style: chr1-160160764-C-T.
Other names: short protein forms P75S.
Identifiers: ClinVar variation 4698446 (VCV004698446.1).